The following is an entry in ClinVar:

NM_000214.3(JAG1):c.817C>G (p.His273Asp)

Gene: JAG1 (jagged canonical Notch ligand 1; minus strand). Cytogenetic location: 20p12.2.
Variant type: single nucleotide variant.
Coding change: c.817C>G on transcript NM_000214.3 (MANE Select); coding-DNA position 817, C replaced by G.
Protein change: p.His273Asp; replaces histidine 273 with aspartic acid.
Molecular consequence: missense variant.
Genome position (GRCh38, 1-based): chr20:10,652,537, G>C on the plus strand (C>G on the coding strand, the complement: JAG1 is on the minus strand). VCF-style: chr20-10652537-G-C. GRCh37 (hg19) VCF-style: chr20-10633185-G-C.
Other names: short protein forms H273D.
Identifiers: ClinVar variation 3573111 (VCV003573111.2).

Conditions:
Arteriohepatic dysplasia. Also called: Alagille Syndrome. Identifiers: Orphanet 52, MedGen C0085280, MeSH D016738, MONDO:0007318.

Submission:

Gilbert/Spinner Lab, Children's Hospital of Philadelphia
No classification provided (evidence only). Condition: Alagille syndrome. Review status: no classification provided. Collection method: research. Allele origin: not applicable. Functional consequence: functionally_abnormal.
ClinVar note: "not provided" was previously submitted as the classification for the variant. However, the classification appeared to be based only on an observation of functional data so it was converted to no classification on 2025-07-30.